The following is an entry in ClinVar:

NM_001369268.1(ACAN):c.2112dup (p.Val705fs)

Gene: ACAN (aggrecan; plus strand). Cytogenetic location: 15q26.1.
Variant type: Duplication.
Coding change: c.2112dup on transcript NM_001369268.1 (MANE Select); coding-DNA position 2112, one base duplicated (A; older notation c.2112dupA).
Protein change: p.Val705fs; shifts the reading frame from valine 705.
Molecular consequence: frameshift variant.
Genome position (GRCh38, 1-based): chr15:88,851,879, A duplicated; the last of 2 consecutive A bases (chr15:88,851,878-88,851,879); duplicating either gives the same sequence. VCF-style (leftmost placement, unchanged base first): chr15-88851877-C-CA. GRCh37 (hg19) VCF-style: chr15-89395108-C-CA.
Other names: c.2112dup, p.Val705fs (NM_001135.4, NM_001411096.1, NM_001411097.1 and 1 more transcripts); short protein forms V705fs.
Identifiers: ClinVar variation 3342274 (VCV003342274.3).
Genomic context (GRCh38, chr15:88,851,877, plus strand): 5'-GGAGAAGAAGAGGGTGGCACACCCACATCACCCTCTGGTGTGGAGGAGTGGATCGTGACC[C>CA]AAGTGGTTCCTGGTGTGGCTGCTGTCCCCGTAGAAGAGGAGACAACTGCTGTACCCTCAG-3'

ClinVar aggregate classification (germline): Pathogenic (1 of 4 stars; one submission).

Conditions:
Short stature and advanced bone age, with or without early-onset osteoarthritis and/or osteochondritis dissecans (SSOAOD). Identifiers: Orphanet 251262, MedGen C3665488, MONDO:0100462, OMIM 165800.

Submission:

MVZ Medizinische Genetik Mainz
Classification: Pathogenic for Short stature and advanced bone age, with or without early-onset osteoarthritis and/or osteochondritis dissecans. Last evaluated: 2025-01-17. Review status: criteria provided, single submitter. Criteria: UK Practice Guidelines For Variant Classification V4 01 2020. Collection method: clinical testing. Allele origin: germline. Inheritance: Autosomal dominant inheritance. Affected: yes. Observed: 1 variant allele.
Comment: ACMG Criteria: PVS1,PM2_SUP